The following is an entry in ClinVar:

ClinVar aggregate classification (germline): Uncertain significance (1 of 4 stars; one submission).

Conditions:
Inosine triphosphatase deficiency. Also called: INOSINE TRIPHOSPHATE PYROPHOSPHOHYDROLASE DEFICIENCY. Identifiers: MedGen C0342800, MONDO:0013461, OMIM 613850.

Allele frequency attached by ClinVar (database versions not stated): gnomAD exomes below 0.00001 and 0.00002; TOPMed below 0.00001; gnomAD 0.00001; ExAC 0.00002; 1000 Genomes Project 0.00020; 1000 Genomes Project 30x 0.00031.
gnomAD v4.1: 8 of 1,614,032 alleles (0.0005%); highest among the groups gnomAD compares: East Asian, 0.016%; no homozygotes.

Submission:

Labcorp Genetics (formerly Invitae), Labcorp
Classification: Uncertain significance for Inosine triphosphatase deficiency. Last evaluated: 2020-03-18. Review status: criteria provided, single submitter. Criteria: Invitae Variant Classification Sherloc (09022015). Collection method: clinical testing. Allele origin: germline.
Comment: In summary, the available evidence is currently insufficient to determine the role of this variant in disease. Therefore, it has been classified as a Variant of Uncertain Significance. Algorithms developed to predict the effect of missense changes on protein structure and function (SIFT, PolyPhen-2, Align-GVGD) all suggest that this variant is likely to be disruptive, but these predictions have not been confirmed by published functional studies and their clinical significance is uncertain. This sequence change replaces arginine with lysine at codon 144 of the ITPA protein (p.Arg144Lys). The arginine residue is highly conserved and there is a small physicochemical difference between arginine and lysine. This variant is present in population databases (rs201766921, ExAC 0.02%). This variant has not been reported in the literature in individuals with ITPA-related conditions.

NM_033453.4(ITPA):c.431G>A (p.Arg144Lys)

Gene: ITPA (inosine triphosphatase; plus strand). Cytogenetic location: 20p13.
Variant type: single nucleotide variant.
Coding change: c.431G>A on transcript NM_033453.4 (MANE Select); coding-DNA position 431, G replaced by A.
Protein change: p.Arg144Lys; replaces arginine 144 with lysine.
Molecular consequence: missense variant. On other transcripts: non-coding transcript variant (2), intron variant (1).
Genome position (GRCh38, 1-based): chr20:3,221,860, G>A. VCF-style: chr20-3221860-G-A. GRCh37 (hg19) VCF-style: chr20-3202506-G-A.
Other names: c.308G>A, p.Arg103Lys (NM_001267623.2); c.94G>A, p.Glu32Lys (NM_001324236.2, NM_001324237.2, NM_001324238.2 and 1 more transcripts); c.380G>A, p.Arg127Lys (NM_181493.4); c.411+3228G>A (NM_001324240.2); short protein forms R127K, R103K, E32K, R144K.
Identifiers: ClinVar variation 1035457 (VCV001035457.9), dbSNP rs201766921, ClinGen allele CA9741316.
Genomic context (GRCh38, chr20:3,221,860, plus strand): 5'-CTGGACCCAGTTACACACCTGTCCCCCCTTTCCTGTGGCAGGGCCGGATCGTGGCACCCA[G>A]AGGCTGCCAGGACTTTGGCTGGGACCCCTGCTTTCAGCCTGATGGATATGAGCAGACGTA-3'
Protein context (NP_258412.1, residues 134-154): GRTSGRIVAP[Arg144Lys]GCQDFGWDPC